The following is an entry in ClinVar:

NM_015466.4(PTPN23):c.2099G>T (p.Arg700Leu)

Gene: PTPN23 (protein tyrosine phosphatase non-receptor type 23; plus strand). Cytogenetic location: 3p21.31.
Variant type: single nucleotide variant.
Coding change: c.2099G>T on transcript NM_015466.4 (MANE Select); coding-DNA position 2099, G replaced by T.
Protein change: p.Arg700Leu; replaces arginine 700 with leucine.
Molecular consequence: missense variant.
Genome position (GRCh38, 1-based): chr3:47,409,804, G>T. VCF-style: chr3-47409804-G-T. GRCh37 (hg19) VCF-style: chr3-47451294-G-T.
Other names: c.1721G>T, p.Arg574Leu (NM_001304482.2); short protein forms R700L, R574L.
Identifiers: ClinVar variation 2112536 (VCV002112536.4), dbSNP rs758841754, ClinGen allele CA352557199.
Genomic context (GRCh38, chr3:47,409,804, plus strand): 5'-CAGATCTGGAGAGCAAGGTGGCTGCTCTGCTGGAGCGCACGCAGTCCACCTGCCAGGCCC[G>T]CGAGGCTGCCCGCCAGCAGCTCCTGGACAGGTTTGTGTGGCCCTGGGGCTGTGGTGCGGC-3'
Protein context (NP_056281.1, residues 690-710): LERTQSTCQA[Arg700Leu]EAARQQLLDR

ClinVar aggregate classification (germline): Uncertain significance (1 of 4 stars; one submission).

Submission:

Labcorp Genetics (formerly Invitae), Labcorp
Classification: Uncertain significance. Last evaluated: 2022-07-15. Review status: criteria provided, single submitter. Criteria: Invitae Variant Classification Sherloc (09022015). Collection method: clinical testing. Allele origin: germline.
Comment: This variant is not present in population databases (gnomAD no frequency). This sequence change replaces arginine, which is basic and polar, with leucine, which is neutral and non-polar, at codon 700 of the PTPN23 protein (p.Arg700Leu). This variant has not been reported in the literature in individuals affected with PTPN23-related conditions. Algorithms developed to predict the effect of missense changes on protein structure and function are either unavailable or do not agree on the potential impact of this missense change (SIFT: "Tolerated"; PolyPhen-2: "Not Available"; Align-GVGD: "Class C0"). In summary, the available evidence is currently insufficient to determine the role of this variant in disease. Therefore, it has been classified as a Variant of Uncertain Significance.